The following is an entry in ClinVar:

NM_005159.5(ACTC1):c.1063C>T (p.Gln355Ter)

Genes: GJD2-DT (GJD2 divergent transcript; plus strand), ACTC1 (actin alpha cardiac muscle 1; minus strand). Cytogenetic location: 15q14.
Variant type: single nucleotide variant.
Coding change: c.1063C>T on transcript NM_005159.5 (MANE Select); coding-DNA position 1063, C replaced by T.
Protein change: p.Gln355Ter; replaces glutamine 355 with a stop codon.
Molecular consequence: nonsense.
Genome position (GRCh38, 1-based): chr15:34,790,483, G>A on the plus strand (C>T on the coding strand, the complement: ACTC1 is on the minus strand). VCF-style: chr15-34790483-G-A. GRCh37 (hg19) VCF-style: chr15-35082684-G-A.
Other names: c.1063C>T, p.Gln355Ter (NM_001406482.1, NM_001406483.1); c.928C>T, p.Gln310Ter (NM_001406484.1); c.622C>T, p.Gln208Ter (NM_001406485.1); short protein forms Q310*, Q355*, Q208*.
Identifiers: ClinVar variation 2952424 (VCV002952424.3), dbSNP rs2504176005, ClinGen allele CA391628950.

ClinVar aggregate classification (germline): Uncertain significance (1 of 4 stars; one submission).

Conditions:
Hypertrophic cardiomyopathy 11. Also called: ACTC1-Related Familial Hypertrophic Cardiomyopathy. Identifiers: MedGen C2677506, MONDO:0012799, OMIM 612098.
Dilated cardiomyopathy 1R (CMD1R). Identifiers: Orphanet 154, Orphanet 54260, MedGen C3150681, MONDO:0013261, OMIM 613424.
Atrial septal defect 5 (ASD5). Identifiers: Orphanet 1478, MedGen C2748552, MONDO:0013011, OMIM 612794.

Submission:

Labcorp Genetics (formerly Invitae), Labcorp
Classification: Uncertain significance for Dilated cardiomyopathy 1R; Hypertrophic cardiomyopathy 11; Atrial septal defect 5. Last evaluated: 2025-01-06. Review status: criteria provided, single submitter. Criteria: Invitae Variant Classification Sherloc (09022015). Collection method: clinical testing. Allele origin: germline.
Comment: This sequence change creates a premature translational stop signal (p.Gln355*) in the ACTC1 gene. While this is not anticipated to result in nonsense mediated decay, it is expected to disrupt the last 23 amino acid(s) of the ACTC1 protein. This variant is not present in population databases (gnomAD no frequency). This variant has not been reported in the literature in individuals affected with ACTC1-related conditions. ClinVar contains an entry for this variant (Variation ID: 2952424). Experimental studies and prediction algorithms are not available or were not evaluated, and the functional significance of this variant is currently unknown. In summary, the available evidence is currently insufficient to determine the role of this variant in disease. Therefore, it has been classified as a Variant of Uncertain Significance.